The following is an entry in ClinVar:

ClinVar aggregate classification (germline): Pathogenic (1 of 4 stars; one submission).

Conditions:
Carnitine palmitoyltransferase II deficiency. Also called: Carnitine Palmitoyltransferase 2 Deficiency. Identifiers: Orphanet 157, MedGen C0342790, MONDO:0015515.

Submission:

Labcorp Genetics (formerly Invitae), Labcorp
Classification: Pathogenic for Carnitine palmitoyltransferase II deficiency. Last evaluated: 2023-10-05. Review status: criteria provided, single submitter. Criteria: Invitae Variant Classification Sherloc (09022015). Collection method: clinical testing. Allele origin: unknown.
Comment: This variant is a gross deletion of the genomic region encompassing exon(s) 3 of the CPT2 gene. This deletion is out-of-frame, and is expected to create a premature termination codon and result in an absent or disrupted protein product. Loss-of-function variants in CPT2 are known to be pathogenic (PMID: 16781677, 16996287). This variant has not been reported in the literature in individuals affected with CPT2-related conditions. For these reasons, this variant has been classified as Pathogenic.

Literature cited by the submitters: PubMed 16781677; PubMed 16996287.

NC_000001.10:g.(?_53667975)_(53668121_?)del

Gene: CPT2 (carnitine palmitoyltransferase 2; plus strand). Cytogenetic location: 1p32.3.
Variant type: Deletion.
Identifiers: ClinVar variation 3247687 (VCV003247687.1).